The following is an entry in ClinVar:

ClinVar aggregate classification (germline): Uncertain significance (1 of 4 stars; one submission).

Conditions:
Autosomal recessive limb-girdle muscular dystrophy type 2J (LGMDR10). Also called: Limb-girdle muscular dystrophy, type 2J; MUSCULAR DYSTROPHY, LIMB-GIRDLE, AUTOSOMAL RECESSIVE 10. Identifiers: Orphanet 140922, MedGen C1837342, MONDO:0012127, OMIM 608807.
Dilated cardiomyopathy 1G (CMD1G). Identifiers: Orphanet 154, MedGen C1858763, MONDO:0011400, OMIM 604145.

Submission:

Labcorp Genetics (formerly Invitae), Labcorp
Classification: Uncertain significance for Dilated cardiomyopathy 1G; Autosomal recessive limb-girdle muscular dystrophy type 2J. Last evaluated: 2024-04-09. Review status: criteria provided, single submitter. Criteria: Invitae Variant Classification Sherloc (09022015). Collection method: clinical testing. Allele origin: germline.
Comment: This sequence change replaces glycine, which is neutral and non-polar, with tryptophan, which is neutral and slightly polar, at codon 33969 of the TTN protein (p.Gly33969Trp). This variant is not present in population databases (gnomAD no frequency). This variant has not been reported in the literature in individuals affected with TTN-related conditions. Experimental studies and prediction algorithms are not available or were not evaluated, and the functional significance of this variant is currently unknown. This variant is located in the M band of TTN (PMID: 25589632). Non-truncating variants in this region may be relevant for neuromuscular disorders, but have not been definitively shown to cause cardiomyopathy (PMID: 23975875). In summary, the available evidence is currently insufficient to determine the role of this variant in disease. Therefore, it has been classified as a Variant of Uncertain Significance.

Literature cited by the submitters: PubMed 25589632; PubMed 23975875.

NM_001267550.2(TTN):c.101905G>T (p.Gly33969Trp)

Genes: TTN-AS1 (TTN antisense RNA 1; plus strand), TTN (titin; minus strand). Cytogenetic location: 2q31.2.
Variant type: single nucleotide variant.
Coding change: c.101905G>T on transcript NM_001267550.2 (MANE Select); coding-DNA position 101905, G replaced by T.
Protein change: p.Gly33969Trp; replaces glycine 33969 with tryptophan.
Molecular consequence: missense variant.
Genome position (GRCh38, 1-based): chr2:178,534,710, C>A on the plus strand (G>T on the coding strand, the complement: TTN is on the minus strand). VCF-style: chr2-178534710-C-A. GRCh37 (hg19) VCF-style: chr2-179399437-C-A.
Other names: c.96982G>T, p.Gly32328Trp (NM_001256850.1); c.74710G>T, p.Gly24904Trp (NM_003319.4); c.94201G>T, p.Gly31401Trp (NM_133378.4); c.75085G>T, p.Gly25029Trp (NM_133432.3); c.75286G>T, p.Gly25096Trp (NM_133437.4); short protein forms G24904W, G25029W, G25096W, G31401W, G32328W, G33969W.
Identifiers: ClinVar variation 3749995 (VCV003749995.2).
Genomic context (GRCh38, chr2:178,534,710, plus strand): 5'-GCTGGTGGACTTCAGGTGCATAGTATTCTGGGGCAGTGAATAGAAGCCTGAAGTTGTCCC[C>A]TGGTTTCAGCTGACGGGCTTGACCAAATTCTATGATTTTAATGGTAGAGCTTCTTCTGGT-3'
Protein context (NP_001254479.2, residues 33959-33979): EFGQARQLKP[Gly33969Trp]DNFRLLFTAP